The following is an entry in ClinVar:

NM_002609.4(PDGFRB):c.1611_1618delinsTCAGGGTGATCTCA (p.Ile538_Ala540delinsGlnGlyAspLeuThr)

Gene: PDGFRB (platelet derived growth factor receptor beta; minus strand). Cytogenetic location: 5q32.
Variant type: Indel.
Coding change: c.1611_1618delinsTCAGGGTGATCTCA on transcript NM_002609.4 (MANE Select); coding-DNA positions 1611 to 1618, CATCCTGG replaced by TCAGGGTGATCTCA.
Protein change: p.Ile538_Ala540delinsGlnGlyAspLeuThr.
Molecular consequence: inframe indel.
Genome position (GRCh38, 1-based): chr5:150,126,576-150,126,583, CCAGGATG replaced by TGAGATCACCCTGA on the plus strand (CATCCTGG replaced by TCAGGGTGATCTCA on the coding strand, the reverse complement: PDGFRB is on the minus strand). VCF-style: chr5-150126576-CCAGGATG-TGAGATCACCCTGA. GRCh37 (hg19) VCF-style: chr5-149506139-CCAGGATG-TGAGATCACCCTGA.
Other names: c.1419_1426delinsTCAGGGTGATCTCA, p.Ile474_Ala476delinsGlnGlyAspLeuThr (NM_001355016.2); c.1128_1135delinsTCAGGGTGATCTCA, p.Ile377_Ala379delinsGlnGlyAspLeuThr (NM_001355017.2).
Identifiers: ClinVar variation 2630983 (VCV002630983.1), dbSNP rs2481207560, ClinGen allele CA2695198775.

ClinVar aggregate classification (germline): Uncertain significance (1 of 4 stars; one submission).

Conditions:
PDGFRB-related disorder. Also called: PDGFRB-related condition.

Submission:

PreventionGenetics, part of Exact Sciences
Classification: Uncertain significance for PDGFRB-related condition. Last evaluated: 2023-09-11. Review status: criteria provided, single submitter. Criteria: ACMG Guidelines, 2015. Collection method: clinical testing. Allele origin: germline.
Comment: The PDGFRB c.1611_1618delinsTCAGGGTGATCTCA variant is predicted to result in an in-frame deletion and insertion. To our knowledge, this variant has not been reported in the literature or in a large population database, indicating this variant is rare. Of note, a different variant leading to an in-frame insertion of an arginine residue between codons 538 and 539 (p.Ile538_Leu539insArg) has been reported in myofibroma tumor samples isolated from patients with myofibromatosis (eTable 1 in Dachy G et al 2019. PubMed ID: 31017643). At this time, the clinical significance of the c.1611_1618delinsTCAGGGTGATCTCA (p.Ile538_Ala540delinsGlnGlyAspLeuThr) variant is uncertain due to the absence of conclusive functional and genetic evidence.